The following is an entry in ClinVar:

ClinVar aggregate classification (germline): Uncertain significance. Review status: criteria provided, multiple submitters, no conflicts (2 of 4 stars). 2 submissions from 2 submitters: Uncertain significance (2). Last evaluated 2025-11-13.

Allele frequency attached by ClinVar (database versions not stated): TOPMed below 0.00001.

Submissions (2):

Ambry Genetics
Classification: Uncertain significance. Last evaluated: 2025-11-13. Review status: criteria provided, single submitter. Criteria: Ambry Variant Classification Scheme 2023. Collection method: clinical testing. Allele origin: germline.

Labcorp Genetics (formerly Invitae), Labcorp
Classification: Uncertain significance. Last evaluated: 2023-03-13. Review status: criteria provided, single submitter. Criteria: Invitae Variant Classification Sherloc (09022015). Collection method: clinical testing. Allele origin: germline.
Comment: In summary, the available evidence is currently insufficient to determine the role of this variant in disease. Therefore, it has been classified as a Variant of Uncertain Significance. An algorithm developed to predict the effect of missense changes on protein structure and function (PolyPhen-2) suggests that this variant is likely to be tolerated. ClinVar contains an entry for this variant (Variation ID: 1763904). This variant has not been reported in the literature in individuals affected with RINT1-related conditions. This variant is not present in population databases (gnomAD no frequency). This sequence change replaces glutamic acid, which is acidic and polar, with glycine, which is neutral and non-polar, at codon 286 of the RINT1 protein (p.Glu286Gly).

NM_021930.6(RINT1):c.857A>G (p.Glu286Gly)

Gene: RINT1 (RAD50 interactor 1; plus strand). Cytogenetic location: 7q22.3.
Variant type: single nucleotide variant.
Coding change: c.857A>G on transcript NM_021930.6 (MANE Select); coding-DNA position 857, A replaced by G.
Protein change: p.Glu286Gly; replaces glutamic acid 286 with glycine.
Molecular consequence: missense variant. On other transcripts: 5 prime UTR variant (2), non-coding transcript variant (1), intron variant (1).
Genome position (GRCh38, 1-based): chr7:105,548,571, A>G. VCF-style: chr7-105548571-A-G. GRCh37 (hg19) VCF-style: chr7-105189018-A-G.
Other names: c.623A>G, p.Glu208Gly (NM_001346599.2); c.-163A>G (NM_001346600.2); c.-68A>G (NM_001346601.2); c.-27-1484A>G (NM_001346603.2); short protein forms E208G, E286G.
Identifiers: ClinVar variation 1763904 (VCV001763904.7), dbSNP rs1790782679, ClinGen allele CA368807852.